The following is an entry in ClinVar:

NM_152327.5(AK7):c.305G>A (p.Arg102Gln)

Gene: AK7 (adenylate kinase 7; plus strand). Cytogenetic location: 14q32.2.
Variant type: single nucleotide variant.
Coding change: c.305G>A on transcript NM_152327.5 (MANE Select); coding-DNA position 305, G replaced by A.
Protein change: p.Arg102Gln; replaces arginine 102 with glutamine.
Molecular consequence: missense variant.
Genome position (GRCh38, 1-based): chr14:96,404,767, G>A. VCF-style: chr14-96404767-G-A. GRCh37 (hg19) VCF-style: chr14-96871104-G-A.
Other names: c.305G>A, p.Arg102Gln (NM_001350888.2, NM_001350890.2, NM_001350891.2 and 1 more transcripts); short protein forms R102Q.
Identifiers: ClinVar variation 402360 (VCV000402360.13), dbSNP rs2275554, ClinGen allele CA7337438.

ClinVar aggregate classification (germline): Benign. Review status: criteria provided, multiple submitters, no conflicts (2 of 4 stars). 3 submissions from 3 submitters: Benign (3). Last evaluated 2026-02-03.

Allele frequency attached by ClinVar (database versions not stated): 1000 Genomes Project 0.21346; 1000 Genomes Project 30x 0.21377; ExAC 0.21841; gnomAD exomes 0.21919 and 0.23974; gnomAD 0.23008 and 0.23276; TOPMed 0.23182; ESP Exome Variant Server 0.24604.
gnomAD v4.1: 381,759 of 1,597,578 alleles (24%); highest among the groups gnomAD compares: Non-Finnish European, 25%; 46,816 homozygotes.

Submissions (3):

Labcorp Genetics (formerly Invitae), Labcorp
Classification: Benign. Last evaluated: 2026-02-03. Review status: criteria provided, single submitter. Criteria: Invitae Variant Classification Sherloc (09022015). Collection method: clinical testing. Allele origin: germline.

Laboratory for Molecular Medicine, Mass General Brigham Personalized Medicine
Classification: Benign. Last evaluated: 2016-03-29. Review status: criteria provided, single submitter. Criteria: LMM Criteria. Collection method: clinical testing. Allele origin: germline.
Comment: Variant identified in a genome or exome case(s) and assessed due to predicted null impact of the variant or pathogenic assertions in the literature or databases. Disclaimer: This variant has not undergone full assessment. The following are preliminary notes: Frequency

Breakthrough Genomics
Classification: Benign. Review status: criteria provided, single submitter. Criteria: ACMG Guidelines, 2015. Collection method: not provided. Allele origin: germline. Inheritance: Autosomal recessive inheritance. Affected: yes.